The following continues an entry in ClinVar:

NM_173689.7(CRB2):c.3089_3104dup (p.Gly1036fs)

Gene: CRB2. ClinVar aggregate classification (germline): Pathogenic/Likely pathogenic. Pathogenic (14); Likely pathogenic (3).

Submissions 14 to 22 of 22:

Ambry Genetics
Classification: Pathogenic for Inborn genetic diseases. Last evaluated: 2021-11-05. Review status: criteria provided, single submitter. Criteria: Ambry Variant Classification Scheme 2023. Collection method: clinical testing. Allele origin: germline.
Comment: The c.3089_3104dup16 (p.G1036Afs*43) alteration, located in exon 10 (coding exon 10) of the CRB2 gene, consists of a duplication of GGCCCGGCGCGGCCCC at position 3089, causing a translational frameshift with a predicted alternate stop codon after 43 amino acids. This alteration is expected to result in loss of function by premature protein truncation or nonsense-mediated mRNA decay. This variant has been reported as compound heterozygous with CRB2 missense variants in two individuals with CRB2-related disease (Ebarasi, 2015; Lamont, 2016). Based on the available evidence, this alteration is classified as pathogenic.

Eurofins Ntd Llc (ga)
Classification: Pathogenic. Last evaluated: 2017-10-05. Review status: criteria provided, single submitter. Criteria: EGL Classification Definitions 2015. Collection method: clinical testing. Allele origin: germline.

Juno Genomics, Hangzhou Juno Genomics, Inc
Classification: Pathogenic for Focal segmental glomerulosclerosis 9; Ventriculomegaly-cystic kidney disease. Review status: criteria provided, single submitter. Criteria: ACMG Guidelines, 2015. Collection method: clinical testing. Allele origin: germline.
Comment: Absent from controls (or at extremely low frequency if recessive) in Genome Aggregation Database.;Null variant in a gene where loss of function (LOF) is a known mechanism of disease.;For recessive disorders, detected in trans with a pathogenic variant.;Co-segregation with disease in multiple affected family members.

Rady Children's Institute for Genomic Medicine, Rady Children's Hospital San Diego
Classification: Likely pathogenic for CRB2-related disorders. Review status: criteria provided, single submitter. Criteria: ACMG Guidelines, 2015. Collection method: clinical testing. Allele origin: germline. Affected: yes.
Comment: This frameshifting variant in exon 10 of 13 introduces a premature stop codon and is therefore predicted to result in loss of normal protein function through either protein truncation or nonsense-mediated mRNA decay (NMD). This variant has been previously reported as a compound heterozygous change in individuals with cerebral ventriculomegaly and nephrosis (PMID: 26925547, 27004616, 25557779). The c.3089_3104dup (p.Gly1036AlafsTer43) variant is present in the heterozygous state in the gnomAD population database at a frequency of 0.09% (28/30574) and is absent in the homozygous state, thus it is presumed to be rare. Based on the available evidence, the c.3089_3104dup (p.Gly1036AlafsTer43) variant is classified as Likely Pathogenic.

OMIM
Classification: Pathogenic for FOCAL SEGMENTAL GLOMERULOSCLEROSIS 9. Last evaluated: 2015-01-08. Review status: no assertion criteria provided. Collection method: literature only. Allele origin: germline. Not counted in ClinVar's aggregate classification.

Genome Diagnostics Laboratory, Amsterdam University Medical Center
Classification: Pathogenic. Review status: no assertion criteria provided. Collection method: clinical testing. Allele origin: germline. Affected: yes. Study: VKGL Data-share Consensus. Not counted in ClinVar's aggregate classification.

Genome Diagnostics Laboratory, University Medical Center Utrecht
Classification: Pathogenic. Review status: no assertion criteria provided. Collection method: clinical testing. Allele origin: germline. Affected: yes. Study: VKGL Data-share Consensus. Not counted in ClinVar's aggregate classification.

Laboratory of Diagnostic Genome Analysis, Leiden University Medical Center (LUMC)
Classification: Pathogenic. Review status: no assertion criteria provided. Collection method: clinical testing. Allele origin: germline. Affected: yes. Study: VKGL Data-share Consensus. Not counted in ClinVar's aggregate classification.

NIHR Bioresource Rare Diseases, University of Cambridge
Classification: Likely pathogenic for Steroid-resistant nephrotic syndrome. Review status: no assertion criteria provided. Collection method: research. Allele origin: unknown. Affected: yes. Observed: 1 variant allele. Not counted in ClinVar's aggregate classification.

Literature cited by the submitters: PubMed 27004616 (cited by 3 submitters); PubMed 25557779 (cited by 5 submitters); PubMed 36803301 (cited by Variantyx, Inc.); PubMed 26925547 (cited by Variantyx, Inc.); PubMed 27942854 (cited by Variantyx, Inc. and Labcorp Genetics (formerly Invitae), Labcorp); PubMed 30212996 (cited by Variantyx, Inc. and Labcorp Genetics (formerly Invitae), Labcorp); PubMed 32581362 (cited by NIHR Bioresource Rare Diseases, University of Cambridge).